The following is an entry in ClinVar:

ClinVar aggregate classification (germline): Uncertain significance (1 of 4 stars; one submission).

Conditions:
Developmental and epileptic encephalopathy 6B. Also called: Developmental and epileptic encephalopathy 6B, non-Dravet. Identifiers: MedGen C5543353, MONDO:0030268, OMIM 619317.

Submission:

Suma Genomics
Classification: Uncertain significance for Developmental and epileptic encephalopathy 6B. Review status: criteria provided, single submitter. Criteria: ACMG Guidelines, 2015. Collection method: clinical testing. Allele origin: de novo. Inheritance: Autosomal dominant inheritance. Affected: yes. Observed: 1 variant allele, 1 heterozygote.
Comment: This variant is not observed in the gnomAD database. Mono-allelic disease-causing variants in SCN1A are associated with Developmental and epileptic encephalopathy 6B, non-Dravet (MIM# 619317), Dravet syndrome (MIM# 607208), Febrile seizures, familial, 3A/ Generalized epilepsy with febrile seizures plus, type 2 (MIM# 604403), Migraine, familial hemiplegic, 3 (MIM# 609634). ACMG classification: Variant of uncertain significance Criteria met: PM2_Supporting: Extremely low frequency in gnomAD population databases PM6: De novo in a patient with phenotype consistency, no family history and both maternity and paternity are assumed

NM_001165963.4(SCN1A):c.160_161delinsAT (p.Asp54Ile)

Gene: SCN1A (sodium voltage-gated channel alpha subunit 1; minus strand). Cytogenetic location: 2q24.3.
Variant type: Indel.
Coding change: c.160_161delinsAT on transcript NM_001165963.4 (MANE Select); coding-DNA positions 160 to 161, GA replaced by AT.
Protein change: p.Asp54Ile; replaces aspartic acid 54 with isoleucine.
Molecular consequence: missense variant. On other transcripts: 5 prime UTR variant (1), non-coding transcript variant (1).
Genome position (GRCh38, 1-based): chr2:166,073,461-166,073,462, TC replaced by AT on the plus strand (GA replaced by AT on the coding strand, the reverse complement: SCN1A is on the minus strand). VCF-style: chr2-166073461-TC-AT. GRCh37 (hg19) VCF-style: chr2-166929971-TC-AT.
Other names: c.160_161delinsAT, p.Asp54Ile (NM_001165964.3, NM_001202435.3, NM_001353948.2 and 10 more transcripts); c.-2266_-2265delinsAT (NM_001353961.2); short protein forms D54I.
Identifiers: ClinVar variation 4819672 (VCV004819672.1).